The following is an entry in ClinVar:

ClinVar aggregate classification (germline): Uncertain significance (1 of 4 stars; one submission).

Conditions:
Adams-Oliver syndrome 5 (AOS5). Identifiers: Orphanet 974, MedGen C4014970, MONDO:0014459, OMIM 616028.

Allele frequency attached by ClinVar (database versions not stated): gnomAD 0.00001.
gnomAD v4.1: 1 of 1,612,582 alleles (0.000062%); highest among the groups gnomAD compares: African/African-American, 0.0013%; no homozygotes.

Submission:

Labcorp Genetics (formerly Invitae), Labcorp
Classification: Uncertain significance for Adams-Oliver syndrome 5. Last evaluated: 2022-10-17. Review status: criteria provided, single submitter. Criteria: Invitae Variant Classification Sherloc (09022015). Collection method: clinical testing. Allele origin: germline.
Comment: In summary, the available evidence is currently insufficient to determine the role of this variant in disease. Therefore, it has been classified as a Variant of Uncertain Significance. Advanced modeling of protein sequence and biophysical properties (such as structural, functional, and spatial information, amino acid conservation, physicochemical variation, residue mobility, and thermodynamic stability) performed at Invitae indicates that this missense variant is not expected to disrupt NOTCH1 protein function. ClinVar contains an entry for this variant (Variation ID: 1346320). This variant has not been reported in the literature in individuals affected with NOTCH1-related conditions. This variant is not present in population databases (gnomAD no frequency). This sequence change replaces proline, which is neutral and non-polar, with serine, which is neutral and polar, at codon 2199 of the NOTCH1 protein (p.Pro2199Ser).

NM_017617.5(NOTCH1):c.6595C>T (p.Pro2199Ser)

Gene: NOTCH1 (notch receptor 1; minus strand). Cytogenetic location: 9q34.3.
Variant type: single nucleotide variant.
Coding change: c.6595C>T on transcript NM_017617.5 (MANE Select); coding-DNA position 6595, C replaced by T.
Protein change: p.Pro2199Ser; replaces proline 2199 with serine.
Molecular consequence: missense variant.
Genome position (GRCh38, 1-based): chr9:136,497,144, G>A on the plus strand (C>T on the coding strand, the complement: NOTCH1 is on the minus strand). VCF-style: chr9-136497144-G-A. GRCh37 (hg19) VCF-style: chr9-139391596-G-A.
Other names: short protein forms P2199S.
Identifiers: ClinVar variation 1346320 (VCV001346320.8), dbSNP rs988164569, ClinGen allele CA201633786.